The following is an entry in ClinVar:

NM_022552.5(DNMT3A):c.631A>G (p.Lys211Glu)

Gene: DNMT3A (DNA methyltransferase 3 alpha; minus strand). Cytogenetic location: 2p23.3.
Variant type: single nucleotide variant.
Coding change: c.631A>G on transcript NM_022552.5 (MANE Select); coding-DNA position 631, A replaced by G.
Protein change: p.Lys211Glu; replaces lysine 211 with glutamic acid.
Molecular consequence: missense variant. On other transcripts: non-coding transcript variant (1).
Genome position (GRCh38, 1-based): chr2:25,274,949, T>C on the plus strand (A>G on the coding strand, the complement: DNMT3A is on the minus strand). VCF-style: chr2-25274949-T-C. GRCh37 (hg19) VCF-style: chr2-25497818-T-C.
Other names: c.631A>G, p.Lys211Glu (NM_175629.2); short protein forms K211E.
Identifiers: ClinVar variation 3706843 (VCV003706843.2).
Genomic context (GRCh38, chr2:25,274,949, plus strand): 5'-GGTTTTCCAGTTCTGCAGGACGGGCTGGGGCCCAGGCCAGAAGGCGCCTCACCTCCCTTT[T>C]CCAGCGTGCCAGCCACTCGTCCCGCTTGCGCTTGCTGATGTAGTAGGGGTCCCCCGCCTG-3'
Protein context (NP_072046.2, residues 201-221): RKRDEWLARW[Lys211Glu]REAEKKAKVI

ClinVar aggregate classification (germline): Uncertain significance (1 of 4 stars; one submission).

Conditions:
Tatton-Brown-Rahman overgrowth syndrome. Also called: Tatton-Brown-Rahman syndrome; Tall stature-intellectual disability-facial dysmorphism syndrome. Identifiers: Orphanet 404443, MedGen C4014545, MONDO:0014382, OMIM 615879.

Submission:

Labcorp Genetics (formerly Invitae), Labcorp
Classification: Uncertain significance for Tatton-Brown-Rahman overgrowth syndrome. Last evaluated: 2024-11-18. Review status: criteria provided, single submitter. Criteria: Invitae Variant Classification Sherloc (09022015). Collection method: clinical testing. Allele origin: germline.
Comment: This sequence change replaces lysine, which is basic and polar, with glutamic acid, which is acidic and polar, at codon 211 of the DNMT3A protein (p.Lys211Glu). This variant is not present in population databases (gnomAD no frequency). This variant has not been reported in the literature in individuals affected with DNMT3A-related conditions. Invitae Evidence Modeling of protein sequence and biophysical properties (such as structural, functional, and spatial information, amino acid conservation, physicochemical variation, residue mobility, and thermodynamic stability) indicates that this missense variant is not expected to disrupt DNMT3A protein function with a negative predictive value of 95%. In summary, the available evidence is currently insufficient to determine the role of this variant in disease. Therefore, it has been classified as a Variant of Uncertain Significance.